The following is an entry in ClinVar:

NM_002474.3(MYH11):c.5613+5C>A

Genes: MYH11 (myosin heavy chain 11; minus strand), NDE1 (nudE neurodevelopment protein 1; plus strand). Cytogenetic location: 16p13.11.
Variant type: single nucleotide variant.
Coding change: c.5613+5C>A on transcript NM_002474.3 (MANE Select); 5 bases into the intron after coding-DNA position 5613, C replaced by A.
Molecular consequence: intron variant.
Genome position (GRCh38, 1-based): chr16:15,715,159, G>T on the plus strand (C>A on the coding strand, the complement: MYH11 is on the minus strand). VCF-style: chr16-15715159-G-T. GRCh37 (hg19) VCF-style: chr16-15809016-G-T.
Other names: c.948-9032G>T (NM_001143979.2, NM_017668.3); c.5613+5C>A (NM_022844.3); c.5634+5C>A (NM_001040114.2, NM_001040113.2).
Identifiers: ClinVar variation 3069325 (VCV003069325.1), dbSNP rs2040055306, ClinGen allele CA975076396.
Genomic context (GRCh38, chr16:15,715,159, plus strand): 5'-AGGGGTGGTTAGGGGAGGCCGGCTGGGGGCTGGGGGCTCGAGGGAGGCTGGGTGGCAGGG[G>T]CTACCTGCTCCTTGTACTGCTCGGCCATCTTGCGCTCGTCCTCCACCTGCAGCAAGATTT-3'

ClinVar aggregate classification (germline): Uncertain significance (1 of 4 stars; one submission).

Conditions:
Familial thoracic aortic aneurysm and aortic dissection (TAAD). Also called: Thoracic aortic aneurysms and dissections. Identifiers: Orphanet 91387, MedGen C4707243, MONDO:0019625.

Allele frequency attached by ClinVar (database versions not stated): gnomAD 0.00001.
gnomAD v4.1: 2 of 1,613,186 alleles (0.00012%); highest among the groups gnomAD compares: South Asian, 0.0011%; no homozygotes.

Submission:

All of Us Research Program, National Institutes of Health
Classification: Uncertain significance for Familial thoracic aortic aneurysm and aortic dissection. Last evaluated: 2023-09-17. Review status: criteria provided, single submitter. Criteria: ACMG Guidelines, 2015. Collection method: clinical testing. Allele origin: germline. Inheritance: Autosomal dominant inheritance. Observed: 2 variant alleles, 2 heterozygotes.
Comment: This variant causes a C to A nucleotide substitution at the +5 position of intron 40 of the MYH11 gene. To our knowledge, functional studies have not been reported for this variant. This variant has not been reported in individuals affected with cardiovascular disorders in the literature. This variant has not been identified in the general population by the Genome Aggregation Database (gnomAD). The available evidence is insufficient to determine the role of this variant in disease conclusively. Therefore, this variant is classified as a Variant of Uncertain Significance.

This study involves interpretation of variants in research participants for the purpose of population health screening. Participant phenotype was not available at the time of variant classification. Additional details can be found in publication PMID: 35346344, PMCID: PMC8962531